The following is an entry in ClinVar:

NM_019112.4(ABCA7):c.2929G>A (p.Gly977Ser)

Genes: ABCA7 (ATP binding cassette subfamily A member 7; plus strand), LOC129391017 (MPRA-validated peak3219 silencer; plus strand). Cytogenetic location: 19p13.3.
Variant type: single nucleotide variant.
Coding change: c.2929G>A on transcript NM_019112.4 (MANE Select); coding-DNA position 2929, G replaced by A.
Protein change: p.Gly977Ser; replaces glycine 977 with serine.
Molecular consequence: missense variant.
Genome position (GRCh38, 1-based): chr19:1,051,553, G>A. VCF-style: chr19-1051553-G-A. GRCh37 (hg19) VCF-style: chr19-1051552-G-A.
Other names: short protein forms G977S.
Identifiers: ClinVar variation 1698635 (VCV001698635.1), dbSNP rs758004382, ClinGen allele CA9033809.

ClinVar aggregate classification (germline): Uncertain significance (1 of 4 stars; one submission).

Allele frequency attached by ClinVar (database versions not stated): gnomAD exomes below 0.00001 and 0.00002; ExAC 0.00001; gnomAD 0.00001 and 0.00002.
gnomAD v4.1: 26 of 1,612,434 alleles (0.0016%); highest among the groups gnomAD compares: Admixed American, 0.005%; no homozygotes.

Submission:

Women's Health and Genetics/Laboratory Corporation of America, LabCorp
Classification: Uncertain significance. Last evaluated: 2022-06-24. Review status: criteria provided, single submitter. Criteria: LabCorp Variant Classification Summary - May 2015. Collection method: clinical testing. Allele origin: germline.
Comment: Variant summary: ABCA7 c.2929G>A (p.Gly977Ser) results in a non-conservative amino acid change located in the ABC transporter-like, ATP-binding domain (IPR003439) of the encoded protein sequence. Four of five in-silico tools predict a benign effect of the variant on protein function. The variant allele was found at a frequency of 4e-06 in 249432 control chromosomes (gnomAD). The available data on variant occurrences in the general population are insufficient to allow any conclusion about variant significance. To our knowledge, no occurrence of c.2929G>A in individuals affected with Alzheimer Disease, Type 9 and no experimental evidence demonstrating its impact on protein function have been reported. No clinical diagnostic laboratories have submitted clinical-significance assessments for this variant to ClinVar after 2014. Based on the evidence outlined above, the variant was classified as uncertain significance.